The following is an entry in ClinVar:

NM_001903.5(CTNNA1):c.1405C>T (p.Leu469=)

Gene: CTNNA1 (catenin alpha 1; plus strand). Cytogenetic location: 5q31.2.
Variant type: single nucleotide variant.
Coding change: c.1405C>T on transcript NM_001903.5 (MANE Select); coding-DNA position 1405, C replaced by T.
Protein change: p.Leu469=; no amino-acid change (leucine 469 retained).
Molecular consequence: synonymous variant. On other transcripts: 5 prime UTR variant (5).
Genome position (GRCh38, 1-based): chr5:138,917,757, C>T. VCF-style: chr5-138917757-C-T. GRCh37 (hg19) VCF-style: chr5-138253446-C-T.
Other names: c.1405C>T, p.Leu469= (NM_001290307.3, NM_001323982.2, NM_001323983.1 and 2 more transcripts); c.1096C>T, p.Leu366= (NM_001290309.3); c.1036C>T, p.Leu346= (NM_001290310.3); c.295C>T, p.Leu99= (NM_001290312.1, NM_001323987.1, NM_001323988.1 and 17 more transcripts); c.1312C>T, p.Leu438= (NM_001323986.2); c.-45C>T (NM_001324006.1, NM_001324007.1, NM_001324008.1 and 2 more transcripts); c.202C>T, p.Leu68= (NM_001324011.1); c.52C>T, p.Leu18= (NM_001324012.1, NM_001324013.1).
Identifiers: ClinVar variation 415354 (VCV000415354.22), dbSNP rs28363462, ClinGen allele CA3431953.
Genomic context (GRCh38, chr5:138,917,757, plus strand): 5'-TGACTCTGAAAAAGAGTAAACAGTGAAGTTTAATATCTTTTGCAGGTTATTAATGCTGCA[C>T]TGGCTTTAGCAGCAAAACCACAGAGTAAACTGGCCCAAGAGAACATGGATCTTTTTAAAG-3'
Protein context (NP_001894.2, residues 459-479): ALCPQVINAA[Leu469=]ALAAKPQSKL

ClinVar aggregate classification (germline): Benign/Likely benign. Review status: criteria provided, multiple submitters, no conflicts (2 of 4 stars). 7 submissions from 7 submitters: Benign (5); Likely benign (2). Last evaluated 2026-02-04.

Conditions:
Hereditary cancer-predisposing syndrome. Also called: Tumor predisposition; Neoplastic Syndromes, Hereditary; Hereditary Cancer Syndrome; Hereditary neoplastic syndrome. Identifiers: Orphanet 140162, MedGen C0027672, MeSH D009386, MONDO:0015356.
Hereditary nonpolyposis colon cancer (HNPCC). Also called: Hereditary nonpolyposis colorectal cancer; Familial nonpolyposis colon cancer; Hereditary Nonpolyposis Colorectal Cancer Syndrome. Identifiers: Orphanet 443909, MedGen C1333990, MONDO:0018630. Disease mechanism: loss of function.
Hereditary diffuse gastric adenocarcinoma (HDGC). Also called: DIFFUSE GASTRIC AND LOBULAR BREAST CANCER SYNDROME. Identifiers: Orphanet 26106, MedGen C1708349, MONDO:0007648, OMIM 137215.

Allele frequency attached by ClinVar (database versions not stated): gnomAD exomes 0.00095 and 0.00272; ExAC 0.00350; 1000 Genomes Project 0.00938; 1000 Genomes Project 30x 0.00953; gnomAD 0.01064 and 0.01143; TOPMed 0.01151; ESP Exome Variant Server 0.01253.
gnomAD v4.1: 3,043 of 1,614,036 alleles (0.19%); highest among the groups gnomAD compares: African/African-American, 3.7%; 50 homozygotes.

Submissions (7):

Labcorp Genetics (formerly Invitae), Labcorp
Classification: Benign. Last evaluated: 2026-02-04. Review status: criteria provided, single submitter. Criteria: Invitae Variant Classification Sherloc (09022015). Collection method: clinical testing. Allele origin: germline.

Center for Genomic Medicine, Rigshospitalet, Copenhagen University Hospital
Classification: Benign. Last evaluated: 2025-03-04. Review status: criteria provided, single submitter. Criteria: ACMG Guidelines, 2015. Collection method: clinical testing. Allele origin: germline.

Myriad Genetics, Inc.
Classification: Benign for Hereditary diffuse gastric adenocarcinoma. Last evaluated: 2024-10-11. Review status: criteria provided, single submitter. Criteria: Myriad Autosomal Dominant, Autosomal Recessive and X-Linked Classification Criteria (2023). Collection method: clinical testing. Allele origin: unknown.
Comment: This variant is considered benign. This variant is a silent/synonymous amino acid change and it is not expected to impact splicing.

Department of Pathology and Laboratory Medicine, Sinai Health System
Classification: Benign for hereditary nonpolyposis colon cancer. Last evaluated: 2023-05-30. Review status: criteria provided, single submitter. Criteria: ACMG Guidelines, 2015. Collection method: clinical testing. Allele origin: germline. Affected: yes.

GeneDx
Classification: Likely benign. Last evaluated: 2021-06-17. Review status: criteria provided, single submitter. Criteria: GeneDx Variant Classification Process June 2021. Collection method: clinical testing. Allele origin: germline. Affected: yes.

Ambry Genetics
Classification: Benign for Hereditary cancer-predisposing syndrome. Last evaluated: 2019-05-09. Review status: criteria provided, single submitter. Criteria: Ambry Variant Classification Scheme 2023. Collection method: clinical testing. Allele origin: germline.

Breakthrough Genomics
Classification: Likely benign. Review status: criteria provided, single submitter. Criteria: ACMG Guidelines, 2015. Collection method: not provided. Allele origin: germline. Inheritance: Autosomal dominant inheritance. Affected: yes.